The following is an entry in ClinVar:

NM_147127.5(EVC2):c.3734C>A (p.Ser1245Ter)

Gene: EVC2 (EvC ciliary complex subunit 2; minus strand). Cytogenetic location: 4p16.2.
Variant type: single nucleotide variant.
Coding change: c.3734C>A on transcript NM_147127.5 (MANE Select); coding-DNA position 3734, C replaced by A.
Protein change: p.Ser1245Ter; replaces serine 1245 with a stop codon.
Molecular consequence: nonsense.
Genome position (GRCh38, 1-based): chr4:5,563,041, G>T on the plus strand (C>A on the coding strand, the complement: EVC2 is on the minus strand). VCF-style: chr4-5563041-G-T. GRCh37 (hg19) VCF-style: chr4-5564768-G-T.
Other names: c.3494C>A, p.Ser1165Ter (NM_001166136.2); short protein forms S1165*, S1245*.
Identifiers: ClinVar variation 2948138 (VCV002948138.3), dbSNP rs2475166040, ClinGen allele CA356147124.

ClinVar aggregate classification (germline): Pathogenic (1 of 4 stars; one submission).

Conditions:
Curry-Hall syndrome (WAD). Also called: WEYERS ACRODENTAL DYSOSTOSIS. Identifiers: Orphanet 952, MedGen C0457013, MONDO:0008673, OMIM 193530.
Ellis-van Creveld syndrome (EVC). Also called: EVC-Related Ellis-van Creveld Syndrome; EVC2-Related Ellis-van Creveld Syndrome; MESOECTODERMAL DYSPLASIA; Chondroectodermal dysplasia. Identifiers: Orphanet 289, MedGen C0013903, MONDO:0009162, OMIM 225500.

Submission:

Labcorp Genetics (formerly Invitae), Labcorp
Classification: Pathogenic for Curry-Hall syndrome; Ellis-van Creveld syndrome. Last evaluated: 2023-05-23. Review status: criteria provided, single submitter. Criteria: Invitae Variant Classification Sherloc (09022015). Collection method: clinical testing. Allele origin: germline.
Comment: This sequence change creates a premature translational stop signal (p.Ser1245*) in the EVC2 gene. While this is not anticipated to result in nonsense mediated decay, it is expected to disrupt the last 64 amino acid(s) of the EVC2 protein. This variant is not present in population databases (gnomAD no frequency). This variant has not been reported in the literature in individuals affected with EVC2-related conditions. This variant disrupts a region of the EVC2 protein in which other variant(s) (p.Leu1266*) have been determined to be pathogenic (PMID: 19810119). This suggests that this is a clinically significant region of the protein, and that variants that disrupt it are likely to be disease-causing. For these reasons, this variant has been classified as Pathogenic.

Literature cited by the submitters: PubMed 19810119.